The following is an entry in ClinVar:

NM_001135998.3(NDUFB11):c.341T>G (p.Met114Arg)

Gene: NDUFB11 (NADH:ubiquinone oxidoreductase subunit B11; minus strand). Cytogenetic location: Xp11.3.
Variant type: single nucleotide variant.
Coding change: c.341T>G on transcript NM_001135998.3 (MANE Select); coding-DNA position 341, T replaced by G.
Protein change: p.Met114Arg; replaces methionine 114 with arginine.
Molecular consequence: missense variant.
Genome position (GRCh38, 1-based): chrX:47,142,438, A>C on the plus strand (T>G on the coding strand, the complement: NDUFB11 is on the minus strand). VCF-style: chrX-47142438-A-C. GRCh37 (hg19) VCF-style: chrX-47001837-A-C.
Other names: c.371T>G, p.Met124Arg (NM_019056.7); short protein forms M114R, M124R.
Identifiers: ClinVar variation 2511547 (VCV002511547.5), dbSNP rs782673413, ClinGen allele CA10394888.

ClinVar aggregate classification (germline): Uncertain significance. Review status: criteria provided, multiple submitters, no conflicts (2 of 4 stars). 2 submissions from 2 submitters: Uncertain significance (2). Last evaluated 2025-03-18.

Conditions:
Inborn genetic diseases. Identifiers: MedGen C0950123, MeSH D030342.

Allele frequency attached by ClinVar (database versions not stated): ExAC 0.00001; TOPMed 0.00002; gnomAD 0.00002.

Submissions (2):

Labcorp Genetics (formerly Invitae), Labcorp
Classification: Uncertain significance. Last evaluated: 2025-03-18. Review status: criteria provided, single submitter. Criteria: Invitae Variant Classification Sherloc (09022015). Collection method: clinical testing. Allele origin: germline.
Comment: This sequence change replaces methionine, which is neutral and non-polar, with arginine, which is basic and polar, at codon 124 of the NDUFB11 protein (p.Met124Arg). This variant is present in population databases (rs782673413, gnomAD 0.01%). This variant has not been reported in the literature in individuals affected with NDUFB11-related conditions. ClinVar contains an entry for this variant (Variation ID: 2511547). An algorithm developed to predict the effect of missense changes on protein structure and function (PolyPhen-2) suggests that this variant is likely to be tolerated. In summary, the available evidence is currently insufficient to determine the role of this variant in disease. Therefore, it has been classified as a Variant of Uncertain Significance.

Ambry Genetics
Classification: Uncertain significance for Inborn genetic diseases. Last evaluated: 2023-05-16. Review status: criteria provided, single submitter. Criteria: Ambry Variant Classification Scheme 2023. Collection method: clinical testing. Allele origin: germline.